The following is an entry in ClinVar:

NM_006767.4(LZTR1):c.401-15A>C

Gene: LZTR1 (leucine zipper like post translational regulator 1; plus strand). Cytogenetic location: 22q11.21.
Variant type: single nucleotide variant.
Coding change: c.401-15A>C on transcript NM_006767.4 (MANE Select); 15 bases into the intron before coding-DNA position 401, A replaced by C.
Molecular consequence: intron variant.
Genome position (GRCh38, 1-based): chr22:20,987,995, A>C. VCF-style: chr22-20987995-A-C. GRCh37 (hg19) VCF-style: chr22-21342284-A-C.
Identifiers: ClinVar variation 932206 (VCV000932206.2), dbSNP rs1924457413, ClinGen allele CA1139666969.

ClinVar aggregate classification (germline): Conflicting classifications of pathogenicity. Review status: criteria provided, conflicting classifications (1 of 4 stars). 2 submissions from 2 submitters: Uncertain significance (1); Likely benign (1). Last evaluated 2025-08-31.

Submissions (2):

Labcorp Genetics (formerly Invitae), Labcorp
Classification: Likely benign. Last evaluated: 2025-08-31. Review status: criteria provided, single submitter. Criteria: Invitae Variant Classification Sherloc (09022015). Collection method: clinical testing. Allele origin: germline.

Women's Health and Genetics/Laboratory Corporation of America, LabCorp
Classification: Uncertain significance. Last evaluated: 2020-05-04. Review status: criteria provided, single submitter. Criteria: LabCorp Variant Classification Summary - May 2015. Collection method: clinical testing. Allele origin: germline.
Comment: Variant summary: LZTR1 c.401-15A>C alters a non-conserved nucleotide located close to a canonical splice site and therefore could affect mRNA splicing, leading to a significantly altered protein sequence. 4/4 computational tools predict no significant impact on normal splicing. However, these predictions have yet to be confirmed by functional studies. The variant was absent in 246710 control chromosomes (gnomAD). The available data on variant occurrences in the general population are insufficient to allow any conclusion about variant significance. To our knowledge, no occurrence of c.401-15A>C in individuals affected with Noonan Syndrome And Related Conditions and no experimental evidence demonstrating its impact on protein function have been reported. No clinical diagnostic laboratories have submitted clinical-significance assessments for this variant to ClinVar after 2014. Based on the evidence outlined above, the variant was classified as uncertain significance.